The following is an entry in ClinVar:

NM_001148.6(ANK2):c.2017G>C (p.Gly673Arg)

Gene: ANK2 (ankyrin 2; plus strand). Cytogenetic location: 4q26.
Variant type: single nucleotide variant.
Coding change: c.2017G>C on transcript NM_001148.6 (MANE Select); coding-DNA position 2017, G replaced by C.
Protein change: p.Gly673Arg; replaces glycine 673 with arginine.
Molecular consequence: missense variant.
Genome position (GRCh38, 1-based): chr4:113,282,810, G>C. VCF-style: chr4-113282810-G-C. GRCh37 (hg19) VCF-style: chr4-114203966-G-C.
Other names: c.1930G>C, p.Gly644Arg (NM_001354264.2, NM_001354266.2, NM_001354267.2 and 10 more transcripts); c.2017G>C, p.Gly673Arg (NM_001354265.2, NM_001354225.2, NM_001354228.2 and 6 more transcripts); c.1918G>C, p.Gly640Arg (NM_001354268.2, NM_001354245.2); c.1807G>C, p.Gly603Arg (NM_001354269.3); c.1855G>C, p.Gly619Arg (NM_001354270.2, NM_001354253.2, NM_001354257.2 and 1 more transcripts); c.1831G>C, p.Gly611Arg (NM_001354271.2, NM_001354260.2, NM_001386151.1); c.1954G>C, p.Gly652Arg (NM_001354272.2, NM_001354275.2, NM_001386143.1 and 10 more transcripts); c.1819G>C, p.Gly607Arg (NM_001354273.2); and 8 more; short protein forms G578R, G619R, G661R, G673R, G603R, G640R, G659R, G607R.
Identifiers: ClinVar variation 2450626 (VCV002450626.2), dbSNP rs2495909218, ClinGen allele CA357914187.

ClinVar aggregate classification (germline): Uncertain significance (1 of 4 stars; one submission).

Conditions:
Cardiovascular phenotype. Identifiers: MedGen CN230736.

Submission:

Ambry Genetics
Classification: Uncertain significance for Cardiovascular phenotype. Last evaluated: 2022-11-27. Review status: criteria provided, single submitter. Criteria: Ambry Variant Classification Scheme 2023. Collection method: clinical testing. Allele origin: germline.
Comment: The p.G673R variant (also known as c.2017G>C), located in coding exon 18 of the ANK2 gene, results from a G to C substitution at nucleotide position 2017. The glycine at codon 673 is replaced by arginine, an amino acid with dissimilar properties. This amino acid position is conserved. In addition, this alteration is predicted to be deleterious by in silico analysis. Since supporting evidence is limited at this time, the clinical significance of this alteration remains unclear.